The following is an entry in ClinVar:

NM_001382567.1(STIM1):c.718C>T (p.His240Tyr)

Gene: STIM1 (stromal interaction molecule 1; plus strand). Cytogenetic location: 11p15.4.
Variant type: single nucleotide variant.
Coding change: c.718C>T on transcript NM_001382567.1 (MANE Select); coding-DNA position 718, C replaced by T.
Protein change: p.His240Tyr; replaces histidine 240 with tyrosine.
Molecular consequence: missense variant. On other transcripts: non-coding transcript variant (2).
Genome position (GRCh38, 1-based): chr11:4,070,130, C>T. VCF-style: chr11-4070130-C-T. GRCh37 (hg19) VCF-style: chr11-4091360-C-T.
Other names: c.718C>T, p.His240Tyr (NM_001277961.3, NM_001277962.2, NM_001382568.1 and 2 more transcripts); c.496C>T, p.His166Tyr (NM_001382566.1, NM_001382573.1, NM_001382574.1 and 5 more transcripts); c.583C>T, p.His195Tyr (NM_001382569.1); c.490C>T, p.His164Tyr (NM_001382570.1); c.238C>T, p.His80Tyr (NM_001382571.1); c.229C>T, p.His77Tyr (NM_001382580.1, NM_001382581.1); short protein forms H195Y, H240Y, H77Y, H164Y, H166Y, H80Y.
Identifiers: ClinVar variation 2113642 (VCV002113642.5), dbSNP rs757090235, ClinGen allele CA5830299.

ClinVar aggregate classification (germline): Uncertain significance. Review status: criteria provided, multiple submitters, no conflicts (2 of 4 stars). 2 submissions from 2 submitters: Uncertain significance (2). Last evaluated 2024-02-26.

Conditions:
Myopathy with tubular aggregates (TAM). Also called: Tubular Aggregate Myopathy. Identifiers: Orphanet 2593, MedGen C0410207, MONDO:0008051.
Combined immunodeficiency due to STIM1 deficiency. Also called: IMMUNODEFICIENCY 10; STIM1 DEFICIENCY. Identifiers: Orphanet 169090, Orphanet 317430, MedGen C2748557, MONDO:0013008, OMIM 612783.
Stormorken syndrome (STRMK). Also called: THROMBOCYTOPATHY, ASPLENIA, AND MIOSIS. Identifiers: Orphanet 3204, MedGen C1861451, MONDO:0008497, OMIM 185070.
Myopathy, tubular aggregate, 1 (TAM1). Identifiers: MedGen C4011726, MONDO:0024531, OMIM 160565.

Allele frequency attached by ClinVar (database versions not stated): ExAC 0.00001.
gnomAD v4.1: 1 of 1,614,150 alleles (0.000062%); highest among the groups gnomAD compares: Admixed American, 0.0017%; no homozygotes.

Submissions (2):

3billion
Classification: Uncertain significance for Myopathy, tubular aggregate, 1. Last evaluated: 2024-02-26. Review status: criteria provided, single submitter. Criteria: ACMG Guidelines, 2015. Collection method: clinical testing. Allele origin: germline. Affected: yes.
Comment: The variant is observed at an extremely low frequency in the gnomAD v2.1.1 dataset (total allele frequency: <0.001%). Predicted Consequence/Location: Missense variant In silico tool predictions suggest damaging effect of the variant on gene or gene product [REVEL: 0.76 (>=0.6, sensitivity 0.68 and specificity 0.92)]. Therefore, this variant is classified as VUS according to the recommendation of ACMG/AMP guideline.

Labcorp Genetics (formerly Invitae), Labcorp
Classification: Uncertain significance for Myopathy with tubular aggregates; Combined immunodeficiency due to STIM1 deficiency; Stormorken syndrome. Last evaluated: 2022-11-01. Review status: criteria provided, single submitter. Criteria: Invitae Variant Classification Sherloc (09022015). Collection method: clinical testing. Allele origin: germline.
Comment: This sequence change replaces histidine, which is basic and polar, with tyrosine, which is neutral and polar, at codon 240 of the STIM1 protein (p.His240Tyr). This variant is present in population databases (rs757090235, gnomAD 0.003%). This variant has not been reported in the literature in individuals affected with STIM1-related conditions. Advanced modeling of protein sequence and biophysical properties (such as structural, functional, and spatial information, amino acid conservation, physicochemical variation, residue mobility, and thermodynamic stability) has been performed at Invitae for this missense variant, however the output from this modeling did not meet the statistical confidence thresholds required to predict the impact of this variant on STIM1 protein function. In summary, the available evidence is currently insufficient to determine the role of this variant in disease. Therefore, it has been classified as a Variant of Uncertain Significance.